The following is an entry in ClinVar:

ClinVar aggregate classification (germline): Likely benign (0 of 4 stars; one submission).

Conditions:
NRP2-related disorder. Also called: NRP2-related condition.

gnomAD v4.1: 25 of 1,613,968 alleles (0.0015%); highest among the groups gnomAD compares: Non-Finnish European, 0.002%; no homozygotes.

Submission:

PreventionGenetics, part of Exact Sciences
Classification: Likely benign for NRP2-related condition. Last evaluated: 2021-05-26. Review status: no assertion criteria provided. Collection method: clinical testing. Allele origin: germline.
Comment: This variant is classified as likely benign based on ACMG/AMP sequence variant interpretation guidelines (Richards et al. 2015 PMID: 25741868, with internal and published modifications).

NM_003872.3(NRP2):c.2172C>A (p.Gly724=)

Gene: NRP2 (neuropilin 2; plus strand). Cytogenetic location: 2q33.3.
Variant type: single nucleotide variant.
Coding change: c.2172C>A on transcript NM_003872.3 (MANE Select); coding-DNA position 2172, C replaced by A.
Protein change: p.Gly724=; no amino-acid change (glycine 724 retained).
Molecular consequence: synonymous variant.
Genome position (GRCh38, 1-based): chr2:205,763,801, C>A. VCF-style: chr2-205763801-C-A. GRCh37 (hg19) VCF-style: chr2-206628525-C-A.
Other names: c.2172C>A, p.Gly724= (NM_018534.4, NM_201266.2, NM_201267.2 and 1 more transcripts).
Identifiers: ClinVar variation 3351467 (VCV003351467.1).
Genomic context (GRCh38, chr2:205,763,801, plus strand): 5'-CCCCCCTGTCCACCTGCCCCGAAGCCCGGTGTGCATGGAGTTCCAGTACCAGGCCACGGG[C>A]GGCCGCGGGGTGGCGCTGCAGGTGGTGCGGGAAGCCAGCCAGGAGAGCAAGTTGCTGTGG-3'
Protein context (NP_003863.2, residues 714-734): VCMEFQYQAT[Gly724=]GRGVALQVVR